The following is an entry in ClinVar:

ClinVar aggregate classification (germline): Uncertain significance (1 of 4 stars; one submission).

Submission:

GeneDx
Classification: Uncertain significance. Last evaluated: 2023-04-06. Review status: criteria provided, single submitter. Criteria: GeneDx Variant Classification Process June 2021. Collection method: clinical testing. Allele origin: germline. Affected: yes.
Comment: Not observed in large population cohorts (gnomAD); In silico analysis supports that this missense variant does not alter protein structure/function; Has not been previously published as pathogenic or benign to our knowledge

NM_004187.5(KDM5C):c.3157G>A (p.Gly1053Ser)

Gene: KDM5C (lysine demethylase 5C; minus strand). Cytogenetic location: Xp11.22.
Variant type: single nucleotide variant.
Coding change: c.3157G>A on transcript NM_004187.5 (MANE Select); coding-DNA position 3157, G replaced by A.
Protein change: p.Gly1053Ser; replaces glycine 1053 with serine.
Molecular consequence: missense variant. On other transcripts: non-coding transcript variant (3).
Genome position (GRCh38, 1-based): chrX:53,195,374, C>T on the plus strand (G>A on the coding strand, the complement: KDM5C is on the minus strand). VCF-style: chrX-53195374-C-T. GRCh37 (hg19) VCF-style: chrX-53224556-C-T.
Other names: c.2956G>A, p.Gly986Ser (NM_001146702.2); c.3154G>A, p.Gly1052Ser (NM_001282622.3, NM_001353979.2, NM_001353982.2); c.3157G>A, p.Gly1053Ser (NM_001353978.3, NM_001353981.2, NM_001353984.2); short protein forms G1052S, G1053S, G986S.
Identifiers: ClinVar variation 1306659 (VCV001306659.3), dbSNP rs2146828899, ClinGen allele CA413110710.
Genomic context (GRCh38, chrX:53,195,374, plus strand): 5'-GCTCTAGCTGTCTCAGCTCCTCCAGCCCCACAGGTAGGTCCCGGCCCACAGCTACTAGGC[C>T]CTCCAAGTCATCCAGGCAGGGGTAGTGGTCACCATTCTAAGGCCAAGGGCGAGAGACAGC-3'
Protein context (NP_004178.2, residues 1043-1063): DHYPCLDDLE[Gly1053Ser]LVAVGRDLPV